The following is an entry in ClinVar:

NM_001372044.2(SHANK3):c.3661G>A (p.Val1221Ile)

Gene: SHANK3 (SH3 and multiple ankyrin repeat domains 3; plus strand). Cytogenetic location: 22q13.33.
Variant type: single nucleotide variant.
Coding change: c.3661G>A on transcript NM_001372044.2 (MANE Select); coding-DNA position 3661, G replaced by A.
Protein change: p.Val1221Ile; replaces valine 1221 with isoleucine.
Molecular consequence: missense variant.
Genome position (GRCh38, 1-based): chr22:50,721,269, G>A. VCF-style: chr22-50721269-G-A. GRCh37 (hg19) VCF-style: chr22-51159697-G-A.
Other names: c.3436G>A (NM_033517.1); short protein forms V1221I.
Identifiers: ClinVar variation 1254906 (VCV001254906.2), dbSNP rs2146831275, ClinGen allele CA515261611.

ClinVar aggregate classification (germline): Uncertain significance (1 of 4 stars; one submission).

Allele frequency attached by ClinVar (database versions not stated): gnomAD exomes below 0.00001.

Submission:

GeneDx
Classification: Uncertain significance. Last evaluated: 2021-07-28. Review status: criteria provided, single submitter. Criteria: GeneDx Variant Classification Process June 2021. Collection method: clinical testing. Allele origin: germline. Affected: yes.
Comment: Not observed in large population cohorts (Lek et al., 2016); In silico analysis supports that this missense variant does not alter protein structure/function; Has not been previously published as pathogenic or benign to our knowledge